The following is an entry in ClinVar:

NM_015374.3(SUN2):c.109G>A (p.Asp37Asn)

Gene: SUN2 (Sad1 and UNC84 domain containing 2; minus strand). Cytogenetic location: 22q13.1.
Variant type: single nucleotide variant.
Coding change: c.109G>A on transcript NM_015374.3 (MANE Select); coding-DNA position 109, G replaced by A.
Protein change: p.Asp37Asn; replaces aspartic acid 37 with asparagine.
Molecular consequence: missense variant.
Genome position (GRCh38, 1-based): chr22:38,752,520, C>T on the plus strand (G>A on the coding strand, the complement: SUN2 is on the minus strand). VCF-style: chr22-38752520-C-T. GRCh37 (hg19) VCF-style: chr22-39148525-C-T.
Other names: c.109G>A (NM_015374.2); c.109G>A, p.Asp37Asn (NM_001199579.2, NM_001199580.2, NM_001394427.1 and 18 more transcripts); short protein forms D37N.
Identifiers: ClinVar variation 1404134 (VCV001404134.9), dbSNP rs569556638, ClinGen allele CA10236105.

ClinVar aggregate classification (germline): Uncertain significance. Review status: criteria provided, multiple submitters, no conflicts (2 of 4 stars). 2 submissions from 2 submitters: Uncertain significance (2). Last evaluated 2024-02-23.

Conditions:
Emery-Dreifuss muscular dystrophy (EDMD). Also called: Scapuloperoneal syndrome, X-linked (formerly); Humeroperoneal neuromuscular disease, (formerly). Identifiers: Orphanet 261, MedGen C0410189, MONDO:0016830.

Allele frequency attached by ClinVar (database versions not stated): gnomAD exomes below 0.00001 and 0.00001; gnomAD 0.00001; TOPMed 0.00001; ExAC 0.00002; 1000 Genomes Project 30x 0.00031; 1000 Genomes Project 0.00040.
gnomAD v4.1: 10 of 1,613,466 alleles (0.00062%); highest among the groups gnomAD compares: East Asian, 0.0045%; no homozygotes.

Submissions (2):

Labcorp Genetics (formerly Invitae), Labcorp
Classification: Uncertain significance for Emery-Dreifuss muscular dystrophy. Last evaluated: 2024-02-23. Review status: criteria provided, single submitter. Criteria: Invitae Variant Classification Sherloc (09022015). Collection method: clinical testing. Allele origin: germline.
Comment: This sequence change replaces aspartic acid, which is acidic and polar, with asparagine, which is neutral and polar, at codon 37 of the SUN2 protein (p.Asp37Asn). This variant is present in population databases (rs569556638, gnomAD 0.01%). This variant has not been reported in the literature in individuals affected with SUN2-related conditions. ClinVar contains an entry for this variant (Variation ID: 1404134). An algorithm developed to predict the effect of missense changes on protein structure and function (PolyPhen-2) suggests that this variant is likely to be disruptive. In summary, the available evidence is currently insufficient to determine the role of this variant in disease. Therefore, it has been classified as a Variant of Uncertain Significance.

Ambry Genetics
Classification: Uncertain significance. Last evaluated: 2023-05-17. Review status: criteria provided, single submitter. Criteria: Ambry Variant Classification Scheme 2023. Collection method: clinical testing. Allele origin: germline.